The following is an entry in ClinVar:

NM_004415.4(DSP):c.5186T>G (p.Leu1729Arg)

Gene: DSP (desmoplakin; plus strand). Cytogenetic location: 6p24.3.
Variant type: single nucleotide variant.
Coding change: c.5186T>G on transcript NM_004415.4 (MANE Select); coding-DNA position 5186, T replaced by G.
Protein change: p.Leu1729Arg; replaces leucine 1729 with arginine.
Molecular consequence: missense variant. On other transcripts: intron variant (2).
Genome position (GRCh38, 1-based): chr6:7,581,376, T>G. VCF-style: chr6-7581376-T-G. GRCh37 (hg19) VCF-style: chr6-7581609-T-G.
Other names: c.4050+1136T>G (NM_001319034.2); c.3583-1266T>G (NM_001008844.3); c.5186T>G (LRG_423t1); short protein forms L1729R.
Identifiers: ClinVar variation 631403 (VCV000631403.12), dbSNP rs377344768, ClinGen allele CA133970830.

ClinVar aggregate classification (germline): Uncertain significance. Review status: criteria provided, multiple submitters, no conflicts (2 of 4 stars). 8 submissions from 6 submitters: Uncertain significance (8). Last evaluated 2024-12-28.

Conditions:
Cardiovascular phenotype. Identifiers: MedGen CN230736.
Arrhythmogenic right ventricular dysplasia 8 (ARVD8). Also called: ARRHYTHMOGENIC RIGHT VENTRICULAR DYSPLASIA, FAMILIAL, 8; Arrhythmogenic Right Ventricular Dysplasia/Cardiomyopathy 8; ARRHYTHMOGENIC RIGHT VENTRICULAR CARDIOMYOPATHY 8. Identifiers: MedGen C1843896, MONDO:0011831, OMIM 607450.
Arrhythmogenic cardiomyopathy with wooly hair and keratoderma. Also called: Arrhythmogenic cardiomyopathy with woolly hair and keratoderma; Dilated cardiomyopathy with woolly hair and keratoderma; PALMOPLANTAR KERATODERMA WITH LEFT VENTRICULAR CARDIOMYOPATHY AND WOOLLY HAIR; Carvajal syndrome. Identifiers: Orphanet 65282, MedGen C1854063, MONDO:0011581, OMIM 605676.
Cardiomyopathy (CMYO). Also called: Cardiomyopathies. Identifiers: Orphanet 167848, MedGen C0878544, MONDO:0004994, HP:0001638. Inheritance: Various modes of inheritance.
Woolly hair-skin fragility syndrome (WHSF). Identifiers: Orphanet 293165, MedGen C1843292, MONDO:0957307, OMIM 620415.
Lethal acantholytic epidermolysis bullosa (EBLA). Identifiers: Orphanet 158687, MedGen C1864826, MONDO:0012323, OMIM 609638.

Allele frequency attached by ClinVar (database versions not stated): gnomAD 0.00001; gnomAD exomes 0.00001; TOPMed 0.00001; ESP Exome Variant Server 0.00008.
gnomAD v4.1: 12 of 1,614,068 alleles (0.00074%); highest among the groups gnomAD compares: Non-Finnish European, 0.001%; no homozygotes.

Submissions (8):

Ambry Genetics
Classification: Uncertain significance for Cardiovascular phenotype. Last evaluated: 2024-12-28. Review status: criteria provided, single submitter. Criteria: Ambry Variant Classification Scheme 2023. Collection method: clinical testing. Allele origin: germline.
Comment: The p.L1729R variant (also known as c.5186T>G), located in coding exon 23 of the DSP gene, results from a T to G substitution at nucleotide position 5186. The leucine at codon 1729 is replaced by arginine, an amino acid with dissimilar properties. This amino acid position is conserved. In addition, the in silico prediction for this alteration is inconclusive. Based on the available evidence, the clinical significance of this variant remains unclear.

Color Diagnostics, LLC DBA Color Health
Classification: Uncertain significance for Cardiomyopathy. Last evaluated: 2024-03-06. Review status: criteria provided, single submitter. Criteria: ACMG Guidelines, 2015. Collection method: clinical testing. Allele origin: germline.
Comment: This missense variant replaces leucine with arginine at codon 1729 of the DSP protein. Computational prediction suggests that this variant may not impact protein structure and function (internally defined REVEL score threshold <= 0.5, PMID: 27666373). To our knowledge, functional studies have not been reported for this variant. This variant has not been reported in individuals affected with DSP-related disorders in the literature. This variant has not been identified in the general population by the Genome Aggregation Database (gnomAD). The available evidence is insufficient to determine the role of this variant in disease conclusively. Therefore, this variant is classified as a Variant of Uncertain Significance.

Labcorp Genetics (formerly Invitae), Labcorp
Classification: Uncertain significance for Arrhythmogenic cardiomyopathy with wooly hair and keratoderma; Arrhythmogenic right ventricular dysplasia 8. Last evaluated: 2024-01-07. Review status: criteria provided, single submitter. Criteria: Invitae Variant Classification Sherloc (09022015). Collection method: clinical testing. Allele origin: germline.
Comment: This sequence change replaces leucine, which is neutral and non-polar, with arginine, which is basic and polar, at codon 1729 of the DSP protein (p.Leu1729Arg). This variant is not present in population databases (gnomAD no frequency). This variant has not been reported in the literature in individuals affected with DSP-related conditions. ClinVar contains an entry for this variant (Variation ID: 631403). An algorithm developed to predict the effect of missense changes on protein structure and function (PolyPhen-2) suggests that this variant is likely to be disruptive. In summary, the available evidence is currently insufficient to determine the role of this variant in disease. Therefore, it has been classified as a Variant of Uncertain Significance.

All of Us Research Program, National Institutes of Health
Classification: Uncertain significance for Arrhythmogenic cardiomyopathy with wooly hair and keratoderma. Last evaluated: 2023-02-24. Review status: criteria provided, single submitter. Criteria: ACMG Guidelines, 2015. Collection method: clinical testing. Allele origin: germline. Inheritance: Autosomal dominant inheritance. Observed: 1 variant allele, 1 heterozygote.
Comment: This missense variant replaces leucine with arginine at codon 1729 of the DSP protein. Computational prediction suggests that this variant may not impact protein structure and function (internally defined REVEL score threshold <= 0.5, PMID: 27666373). To our knowledge, functional studies have not been reported for this variant. This variant has not been reported in individuals affected with DSP-related disorders in the literature. This variant has not been identified in the general population by the Genome Aggregation Database (gnomAD). The available evidence is insufficient to determine the role of this variant in disease conclusively. Therefore, this variant is classified as a Variant of Uncertain Significance.

This study involves interpretation of variants in research participants for the purpose of population health screening. Participant phenotype was not available at the time of variant classification. Additional details can be found in publication PMID: 35346344, PMCID: PMC8962531

Women's Health and Genetics/Laboratory Corporation of America, LabCorp
Classification: Uncertain significance. Last evaluated: 2021-08-09. Review status: criteria provided, single submitter. Criteria: LabCorp Variant Classification Summary - May 2015. Collection method: clinical testing. Allele origin: germline.
Comment: Variant summary: DSP c.5186T>G (p.Leu1729Arg) results in a non-conservative amino acid change in the encoded protein sequence. Three of four in-silico tools predict a damaging effect of the variant on protein function. The variant was absent in 251366 control chromosomes. The available data on variant occurrences in the general population are insufficient to allow any conclusion about variant significance. To our knowledge, no occurrence of c.5186T>G in individuals affected with Arrhythmogenic Right Ventricular Dysplasia/Cardiomyopathy and no experimental evidence demonstrating its impact on protein function have been reported. Two clinical diagnostic laboratories have submitted clinical-significance assessments for this variant to ClinVar after 2014 without evidence for independent evaluation. All laboratories classified the variant as uncertain significance. Based on the evidence outlined above, the variant was classified as uncertain significance.

Illumina Laboratory Services, Illumina
Classification: Uncertain significance for Lethal acantholytic epidermolysis bullosa. Last evaluated: 2018-01-12. Review status: criteria provided, single submitter. Criteria: ICSL Variant Classification Criteria 13 December 2019. Collection method: clinical testing. Allele origin: germline.

Illumina Laboratory Services, Illumina
Classification: Uncertain significance for Arrhythmogenic right ventricular dysplasia 8. Last evaluated: 2018-01-12. Review status: criteria provided, single submitter. Criteria: ICSL Variant Classification Criteria 13 December 2019. Collection method: clinical testing. Allele origin: germline.

Illumina Laboratory Services, Illumina
Classification: Uncertain significance for Arrhythmogenic cardiomyopathy with wooly hair and keratoderma. Last evaluated: 2018-01-12. Review status: criteria provided, single submitter. Criteria: ICSL Variant Classification Criteria 13 December 2019. Collection method: clinical testing. Allele origin: germline.